The following is an entry in ClinVar:

ClinVar aggregate classification (germline): Uncertain significance (1 of 4 stars; one submission).

Conditions:
LAMA2-related muscular dystrophy (LAMA2-RD). Also called: Laminin alpha 2-related dystrophy. Identifiers: MedGen C5679788, MONDO:0100228.

Submission:

Labcorp Genetics (formerly Invitae), Labcorp
Classification: Uncertain significance for LAMA2-related muscular dystrophy. Last evaluated: 2022-11-08. Review status: criteria provided, single submitter. Criteria: Invitae Variant Classification Sherloc (09022015). Collection method: clinical testing. Allele origin: germline.
Comment: Algorithms developed to predict the effect of sequence changes on RNA splicing suggest that this variant may create or strengthen a splice site. In summary, the available evidence is currently insufficient to determine the role of this variant in disease. Therefore, it has been classified as a Variant of Uncertain Significance. Advanced modeling of protein sequence and biophysical properties (such as structural, functional, and spatial information, amino acid conservation, physicochemical variation, residue mobility, and thermodynamic stability) performed at Invitae indicates that this missense variant is not expected to disrupt LAMA2 protein function. ClinVar contains an entry for this variant (Variation ID: 1438273). This variant has not been reported in the literature in individuals affected with LAMA2-related conditions. This variant is not present in population databases (gnomAD no frequency). This sequence change replaces serine, which is neutral and polar, with phenylalanine, which is neutral and non-polar, at codon 2149 of the LAMA2 protein (p.Ser2149Phe).

NM_000426.4(LAMA2):c.6446C>T (p.Ser2149Phe)

Gene: LAMA2 (laminin subunit alpha 2; plus strand). Cytogenetic location: 6q22.33.
Variant type: single nucleotide variant.
Coding change: c.6446C>T on transcript NM_000426.4 (MANE Select); coding-DNA position 6446, C replaced by T.
Protein change: p.Ser2149Phe; replaces serine 2149 with phenylalanine.
Molecular consequence: missense variant.
Genome position (GRCh38, 1-based): chr6:129,453,004, C>T. VCF-style: chr6-129453004-C-T. GRCh37 (hg19) VCF-style: chr6-129774149-C-T.
Other names: c.6446C>T, p.Ser2149Phe (NM_001079823.2); short protein forms S2149F.
Identifiers: ClinVar variation 1438273 (VCV001438273.6), dbSNP rs2114788546, ClinGen allele CA365616388.
Genomic context (GRCh38, chr6:129,453,004, plus strand): 5'-TGAGAGATTTACTCTTGGTTCTTTGTATCTTGTTTTTTTTAAAGATCAAAGTATCTGTGT[C>T]TTCAGGAGGTGACTGCATTCGAACATACAAACCAGAAATCAAGAAAGGAAGTTACAATAA-3'
Protein context (NP_000417.3, residues 2139-2159): KQANSIKVSV[Ser2149Phe]SGGDCIRTYK